The following is an entry in ClinVar:

ClinVar aggregate classification (germline): Uncertain significance (1 of 4 stars; one submission).

Conditions:
Primary familial hypertrophic cardiomyopathy (HCM). Identifiers: Orphanet 99739, MedGen C0949658, MeSH D024741, MONDO:0024573. Inheritance: Various modes of inheritance.
Dilated cardiomyopathy 1AA (CMD1AA). Also called: Cardiomyopathy, dilated, 1AA, with or without LVNC; CARDIOMYOPATHY, DILATED, 1AA, WITH OR WITHOUT LEFT VENTRICULAR NONCOMPACTION; CARDIOMYOPATHY, FAMILIAL HYPERTROPHIC, 23, WITH OR WITHOUT LEFT VENTRICULAR NONCOMPACTION. Identifiers: Orphanet 154, MedGen C2677338, MONDO:0012808, OMIM 612158.

Allele frequency attached by ClinVar (database versions not stated): gnomAD exomes below 0.00001; TOPMed below 0.00001; gnomAD 0.00001.
gnomAD v4.1: 2 of 1,614,060 alleles (0.00012%); highest among the groups gnomAD compares: Non-Finnish European, 0.00017%; no homozygotes.

Submission:

Labcorp Genetics (formerly Invitae), Labcorp
Classification: Uncertain significance for Primary familial hypertrophic cardiomyopathy; Dilated cardiomyopathy 1AA. Last evaluated: 2022-08-20. Review status: criteria provided, single submitter. Criteria: Invitae Variant Classification Sherloc (09022015). Collection method: clinical testing. Allele origin: germline.
Comment: In summary, the available evidence is currently insufficient to determine the role of this variant in disease. Therefore, it has been classified as a Variant of Uncertain Significance. Algorithms developed to predict the effect of missense changes on protein structure and function are either unavailable or do not agree on the potential impact of this missense change (SIFT: "Deleterious"; PolyPhen-2: "Benign"; Align-GVGD: "Class C0"). ClinVar contains an entry for this variant (Variation ID: 967545). This variant has not been reported in the literature in individuals affected with ACTN2-related conditions. This variant is not present in population databases (gnomAD no frequency). This sequence change replaces methionine, which is neutral and non-polar, with isoleucine, which is neutral and non-polar, at codon 542 of the ACTN2 protein (p.Met542Ile).

NM_001103.4(ACTN2):c.1626G>A (p.Met542Ile)

Gene: ACTN2 (actinin alpha 2; plus strand). Cytogenetic location: 1q43.
Variant type: single nucleotide variant.
Coding change: c.1626G>A on transcript NM_001103.4 (MANE Select); coding-DNA position 1626, G replaced by A.
Protein change: p.Met542Ile; replaces methionine 542 with isoleucine.
Molecular consequence: missense variant.
Genome position (GRCh38, 1-based): chr1:236,749,234, G>A. VCF-style: chr1-236749234-G-A. GRCh37 (hg19) VCF-style: chr1-236912534-G-A.
Other names: c.1626G>A, p.Met542Ile (NM_001278343.2); c.1002G>A, p.Met334Ile (NM_001278344.2); short protein forms M334I, M542I.
Identifiers: ClinVar variation 967545 (VCV000967545.10), dbSNP rs1193302872, ClinGen allele CA345384992.
Genomic context (GRCh38, chr1:236,749,234, plus strand): 5'-CAAGAGGGCTGCTCCTTTCAACAATTGGATGGAGGGCGCTATGGAGGATCTGCAAGATAT[G>A]TTCATTGTCCACAGCATTGAGGAGATCCAGGTAATGGAACCGCAACTCTGTATGCCCTAT-3'
Protein context (NP_001094.1, residues 532-552): MEGAMEDLQD[Met542Ile]FIVHSIEEIQ